The following is an entry in ClinVar:

ClinVar aggregate classification (germline): Pathogenic (1 of 4 stars; one submission).

Conditions:
X-linked Alport syndrome (ATS1). Also called: COL4A5-Related Nephropathy; NEPHROPATHY AND DEAFNESS, X-LINKED. Identifiers: Orphanet 63, Orphanet 88917, MedGen C4746986, MONDO:0010520, OMIM 301050.

Submission:

3billion
Classification: Pathogenic for X-linked Alport syndrome. Last evaluated: 2025-04-10. Review status: criteria provided, single submitter. Criteria: ACMG Guidelines, 2015. Collection method: clinical testing. Allele origin: germline. Affected: yes.
Comment: The variant is not observed in the gnomAD v4.1.0 dataset.Predicted Consequence/Location: Canonical splice site: predicted to alter splicing and result in a loss or disruption of normal protein function. Multiple pathogenic loss-of-function variants are reported downstream of the variant.In silico tools predict the variant to alter splicing and produce an abnormal transcript [SpliceAI: 1.00 (spliceogenicity >=0.2, non-spliceogenicity <0.1)].The variant has been reported to be associated with COL4A5-related disorder (PMID: 20378821). Therefore, this variant is classified as Pathogenic according to the recommendation of ACMG/AMP guideline.

Literature cited by the submitters: PubMed 20378821.

NM_033380.3(COL4A5):c.81+1G>C

Gene: COL4A5 (collagen type IV alpha 5 chain; plus strand). Cytogenetic location: Xq22.3.
Variant type: single nucleotide variant.
Coding change: c.81+1G>C on transcript NM_033380.3 (MANE Select); the canonical splice donor site of the intron after coding-DNA position 81, G replaced by C.
Molecular consequence: splice donor variant.
Genome position (GRCh38, 1-based): chrX:108,440,207, G>C. VCF-style: chrX-108440207-G-C. GRCh37 (hg19) VCF-style: chrX-107683437-G-C.
Other names: c.81+1G>C (NM_000495.5).
Identifiers: ClinVar variation 4292661 (VCV004292661.1), dbSNP rs281874765.